The following is an entry in ClinVar:

NM_007327.4(GRIN1):c.2414del (p.Pro805fs)

Gene: GRIN1 (glutamate ionotropic receptor NMDA type subunit 1; plus strand). Cytogenetic location: 9q34.3.
Variant type: Deletion.
Coding change: c.2414del on transcript NM_007327.4 (MANE Select); coding-DNA position 2414, one base deleted (C; older notation c.2414delC).
Protein change: p.Pro805fs; shifts the reading frame from proline 805.
Molecular consequence: frameshift variant.
Genome position (GRCh38, 1-based): chr9:137,163,639, C deleted; the last of 4 consecutive C bases (chr9:137,163,636-137,163,639); deleting any one gives the same sequence. VCF-style (leftmost placement, unchanged base first): chr9-137163635-GC-G. GRCh37 (hg19) VCF-style: chr9-140058087-GC-G.
Other names: c.2414del, p.Pro805fs (NM_000832.7, NM_021569.4); c.2477del, p.Pro826fs (NM_001185090.2, NM_001185091.2); c.2414delC (NM_007327.3); short protein forms P805fs, P826fs.
Identifiers: ClinVar variation 833895 (VCV000833895.12), dbSNP rs766786160, ClinGen allele CA5361131.

ClinVar aggregate classification (germline): Pathogenic. Review status: criteria provided, multiple submitters, no conflicts (2 of 4 stars). 2 submissions from 2 submitters: Pathogenic (2). Last evaluated 2025-10-17.

Conditions:
Neurodevelopmental disorder with or without hyperkinetic movements and seizures, autosomal dominant. Also called: Intellectual disability, autosomal dominant 8. Identifiers: MedGen C3280282, MONDO:0013655, OMIM 614254.
Inborn genetic diseases. Identifiers: MedGen C0950123, MeSH D030342.

Submissions (2):

Labcorp Genetics (formerly Invitae), Labcorp
Classification: Pathogenic for Neurodevelopmental disorder with or without hyperkinetic movements and seizures, autosomal dominant. Last evaluated: 2025-10-17. Review status: criteria provided, single submitter. Criteria: Invitae Variant Classification Sherloc (09022015). Collection method: clinical testing. Allele origin: germline.
Comment: This sequence change creates a premature translational stop signal (p.Pro805Leufs*16) in the GRIN1 gene. It is expected to result in an absent or disrupted protein product. Loss-of-function variants in GRIN1 are known to be pathogenic (PMID: 27164704, 35393335). This variant is present in population databases (rs766786160, gnomAD 0.007%). This variant has not been reported in the literature in individuals affected with GRIN1-related conditions. ClinVar contains an entry for this variant (Variation ID: 833895). For these reasons, this variant has been classified as Pathogenic.

Ambry Genetics
Classification: Pathogenic for Inborn genetic diseases. Last evaluated: 2018-05-25. Review status: criteria provided, single submitter. Criteria: Ambry Variant Classification Scheme 2023. Collection method: clinical testing. Allele origin: germline.
Comment: The c.2414delC pathogenic mutation, located in coding exon 17 of the GRIN1 gene, results from a deletion of one nucleotide at nucleotide position 2414, causing a translational frameshift with a predicted alternate stop codon (p.P805Lfs*16). This alteration is expected to result in loss of function by premature protein truncation or nonsense-mediated mRNA decay. As such, this alteration is interpreted as a disease-causing mutation

Literature cited by the submitters: PubMed 27164704 (cited by Labcorp Genetics (formerly Invitae), Labcorp); PubMed 35393335 (cited by Labcorp Genetics (formerly Invitae), Labcorp).